The following is an entry in ClinVar:

ClinVar aggregate classification (germline): Uncertain significance (1 of 4 stars; one submission).

Conditions:
Hereditary cancer-predisposing syndrome. Also called: Neoplastic Syndromes, Hereditary; Tumor predisposition; Hereditary neoplastic syndrome; Hereditary Cancer Syndrome. Identifiers: Orphanet 140162, MedGen C0027672, MeSH D009386, MONDO:0015356.

Submission:

Ambry Genetics
Classification: Uncertain significance for Hereditary cancer-predisposing syndrome. Last evaluated: 2026-07-06. Review status: criteria provided, single submitter. Criteria: Ambry Variant Classification Scheme 2023. Collection method: clinical testing. Allele origin: germline.
Comment: The p.Q59H variant (also known as c.177G>C), located in coding exon 1 of the SMARCA4 gene, results from a G to C substitution at nucleotide position 177. The glutamine at codon 59 is replaced by histidine, an amino acid with highly similar properties. This amino acid position is conserved. In addition, the in silico prediction for this alteration is inconclusive. Based on the available evidence, the clinical significance of this variant remains unclear.

NM_003072.5(SMARCA4):c.177G>C (p.Gln59His)

Gene: SMARCA4 (SWI/SNF related BAF chromatin remodeling complex subunit ATPase 4; plus strand). Cytogenetic location: 19p13.2.
Variant type: single nucleotide variant.
Coding change: c.177G>C on transcript NM_003072.5 (MANE Select); coding-DNA position 177, G replaced by C.
Protein change: p.Gln59His; replaces glutamine 59 with histidine.
Molecular consequence: missense variant. On other transcripts: non-coding transcript variant (1).
Genome position (GRCh38, 1-based): chr19:10,984,328, G>C. VCF-style: chr19-10984328-G-C. GRCh37 (hg19) VCF-style: chr19-11095004-G-C.
Other names: c.177G>C, p.Gln59His (NM_001128844.3, NM_001128845.2, NM_001128846.2 and 6 more transcripts); short protein forms Q59H.
Identifiers: ClinVar variation 5029835 (VCV005029835.1).